The following is an entry in ClinVar:

ClinVar aggregate classification (germline): Pathogenic (1 of 4 stars; one submission).

Conditions:
Fanconi anemia (FA). Also called: Fanconi's anemia. Identifiers: Orphanet 84, MedGen C0015625, MeSH D005199, MONDO:0019391.

Submission:

Labcorp Genetics (formerly Invitae), Labcorp
Classification: Pathogenic for Fanconi anemia. Last evaluated: 2025-08-06. Review status: criteria provided, single submitter. Criteria: Invitae Variant Classification Sherloc (09022015). Collection method: clinical testing. Allele origin: germline.
Comment: This sequence change creates a premature translational stop signal (p.Leu923Tyrfs*2) in the FANCM gene. It is expected to result in an absent or disrupted protein product. Loss-of-function variants in FANCM are known to be pathogenic (PMID: 29895858, 30075111). This variant is not present in population databases (gnomAD no frequency). This variant has not been reported in the literature in individuals affected with FANCM-related conditions. For these reasons, this variant has been classified as Pathogenic.

Literature cited by the submitters: PubMed 29895858; PubMed 30075111.

NM_020937.4(FANCM):c.2768del (p.Leu923fs)

Gene: FANCM (FA complementation group M; plus strand). Cytogenetic location: 14q21.2.
Variant type: Deletion.
Coding change: c.2768del on transcript NM_020937.4 (MANE Select); coding-DNA position 2768, one base deleted (T; older notation c.2768delT).
Protein change: p.Leu923fs; shifts the reading frame from leucine 923.
Molecular consequence: frameshift variant.
Genome position (GRCh38, 1-based): chr14:45,175,522, T deleted; the last of 2 consecutive T bases (chr14:45,175,521-45,175,522); deleting either gives the same sequence. VCF-style (leftmost placement, unchanged base first): chr14-45175520-GT-G. GRCh37 (hg19) VCF-style: chr14-45644723-GT-G.
Other names: c.2690del, p.Leu897fs (NM_001308133.2); short protein forms L923fs, L897fs.
Identifiers: ClinVar variation 4780045 (VCV004780045.1).